The following is an entry in ClinVar:

ClinVar aggregate classification (germline): Uncertain significance (1 of 4 stars; one submission).

Submission:

Labcorp Genetics (formerly Invitae), Labcorp
Classification: Uncertain significance. Last evaluated: 2022-11-06. Review status: criteria provided, single submitter. Criteria: Invitae Variant Classification Sherloc (09022015). Collection method: clinical testing. Allele origin: germline.
Comment: This variant is not present in population databases (gnomAD no frequency). This sequence change replaces leucine, which is neutral and non-polar, with glutamine, which is neutral and polar, at codon 573 of the IMPG1 protein (p.Leu573Gln). This variant has not been reported in the literature in individuals affected with IMPG1-related conditions. In summary, the available evidence is currently insufficient to determine the role of this variant in disease. Therefore, it has been classified as a Variant of Uncertain Significance. Algorithms developed to predict the effect of missense changes on protein structure and function (SIFT, PolyPhen-2, Align-GVGD) all suggest that this variant is likely to be disruptive.

NM_001563.4(IMPG1):c.1718T>A (p.Leu573Gln)

Gene: IMPG1 (interphotoreceptor matrix proteoglycan 1; minus strand). Cytogenetic location: 6q14.1.
Variant type: single nucleotide variant.
Coding change: c.1718T>A on transcript NM_001563.4 (MANE Select); coding-DNA position 1718, T replaced by A.
Protein change: p.Leu573Gln; replaces leucine 573 with glutamine.
Molecular consequence: missense variant.
Genome position (GRCh38, 1-based): chr6:75,950,668, A>T on the plus strand (T>A on the coding strand, the complement: IMPG1 is on the minus strand). VCF-style: chr6-75950668-A-T. GRCh37 (hg19) VCF-style: chr6-76660385-A-T.
Other names: c.1484T>A, p.Leu495Gln (NM_001282368.2); short protein forms L495Q, L573Q.
Identifiers: ClinVar variation 2812306 (VCV002812306.3), dbSNP rs1782009254, ClinGen allele CA364777024.